The following is an entry in ClinVar:

NM_000313.4(PROS1):c.1155+2T>C

Gene: PROS1 (protein S; minus strand). Cytogenetic location: 3q11.1.
Variant type: single nucleotide variant.
Coding change: c.1155+2T>C on transcript NM_000313.4 (MANE Select); the canonical splice donor site of the intron after coding-DNA position 1155, T replaced by C.
Molecular consequence: splice donor variant.
Genome position (GRCh38, 1-based): chr3:93,892,931, A>G on the plus strand (T>C on the coding strand, the complement: PROS1 is on the minus strand). VCF-style: chr3-93892931-A-G. GRCh37 (hg19) VCF-style: chr3-93611775-A-G.
Other names: c.1251+2T>C (NM_001314077.2); c.1155+2T>C (NM_000313.3).
Identifiers: ClinVar variation 2875451 (VCV002875451.4), dbSNP rs1262633928, ClinGen allele CA353671660.

ClinVar aggregate classification (germline): Likely pathogenic. Review status: criteria provided, multiple submitters, no conflicts (2 of 4 stars). 2 submissions from 2 submitters: Likely pathogenic (2). Last evaluated 2025-11-18.

Conditions:
Thrombophilia due to protein S deficiency, autosomal recessive (THPH6). Identifiers: Orphanet 743, MedGen C3281092, MONDO:0013791, OMIM 614514. Disease mechanism: loss of function.
PROS1-related disorder. Also called: PROS1-related condition.

Allele frequency attached by ClinVar (database versions not stated): TOPMed 0.00001.

Submissions (2):

PreventionGenetics, part of Exact Sciences
Classification: Likely pathogenic for PROS1-related condition. Last evaluated: 2025-11-18. Review status: criteria provided, single submitter. Criteria: ACMG Guidelines, 2015. Collection method: clinical testing. Allele origin: germline.
Comment: The PROS1 c.1155+2T>C variant is predicted to disrupt the GT donor site and interfere with normal splicing. To our knowledge, this variant has not been reported in the literature; however, other variants disrupting the same splicing have been reported in individuals with deep vein thrombosis (c.1155+1G>A, c.1155+5G>A, Duebgen et al. 2012. PubMed ID: 22261441). This variant has not been reported in a large population database (gnomAD), indicating this variant is rare. Variants that disrupt the consensus splice donor site in PROS1 are expected to be pathogenic. This variant is interpreted as likely pathogenic.

Labcorp Genetics (formerly Invitae), Labcorp
Classification: Likely pathogenic for Thrombophilia due to protein S deficiency, autosomal recessive. Last evaluated: 2023-08-04. Review status: criteria provided, single submitter. Criteria: Invitae Variant Classification Sherloc (09022015). Collection method: clinical testing. Allele origin: germline.
Comment: This sequence change affects a donor splice site in intron 10 of the PROS1 gene. It is expected to disrupt RNA splicing. Variants that disrupt the donor or acceptor splice site typically lead to a loss of protein function (PMID: 16199547), and loss-of-function variants in PROS1 are known to be pathogenic (PMID: 9241758). This variant is not present in population databases (gnomAD no frequency). Disruption of this splice site has been observed in individual(s) with protein S deficiency (PMID: 22261441). Algorithms developed to predict the effect of sequence changes on RNA splicing suggest that this variant may disrupt the consensus splice site. In summary, the currently available evidence indicates that the variant is pathogenic, but additional data are needed to prove that conclusively. Therefore, this variant has been classified as Likely Pathogenic.

Literature cited by the submitters: PubMed 16199547 (cited by Labcorp Genetics (formerly Invitae), Labcorp); PubMed 9241758 (cited by Labcorp Genetics (formerly Invitae), Labcorp); PubMed 22261441 (cited by Labcorp Genetics (formerly Invitae), Labcorp).